The following is an entry in ClinVar:

NM_004380.3(CREBBP):c.6673A>C (p.Met2225Leu)

Gene: CREBBP (CREB binding lysine acetyltransferase; minus strand). Cytogenetic location: 16p13.3.
Variant type: single nucleotide variant.
Coding change: c.6673A>C on transcript NM_004380.3 (MANE Select); coding-DNA position 6673, A replaced by C.
Protein change: p.Met2225Leu; replaces methionine 2225 with leucine.
Molecular consequence: missense variant.
Genome position (GRCh38, 1-based): chr16:3,728,374, T>G on the plus strand (A>C on the coding strand, the complement: CREBBP is on the minus strand). VCF-style: chr16-3728374-T-G. GRCh37 (hg19) VCF-style: chr16-3778375-T-G.
Other names: c.6559A>C, p.Met2187Leu (NM_001079846.1); short protein forms M2225L, M2187L.
Identifiers: ClinVar variation 2832187 (VCV002832187.3), dbSNP rs2151302343, ClinGen allele CA394552187.

ClinVar aggregate classification (germline): Uncertain significance (1 of 4 stars; one submission).

Conditions:
Rubinstein-Taybi syndrome (RSTS). Identifiers: Orphanet 783, MedGen C0035934, MONDO:0019188.

Submission:

Labcorp Genetics (formerly Invitae), Labcorp
Classification: Uncertain significance for Rubinstein-Taybi syndrome. Last evaluated: 2025-06-15. Review status: criteria provided, single submitter. Criteria: Invitae Variant Classification Sherloc (09022015). Collection method: clinical testing. Allele origin: germline.
Comment: This sequence change replaces methionine, which is neutral and non-polar, with leucine, which is neutral and non-polar, at codon 2225 of the CREBBP protein (p.Met2225Leu). This variant is not present in population databases (gnomAD no frequency). This variant has not been reported in the literature in individuals affected with CREBBP-related conditions. ClinVar contains an entry for this variant (Variation ID: 2832187). Invitae Evidence Modeling of protein sequence and biophysical properties (such as structural, functional, and spatial information, amino acid conservation, physicochemical variation, residue mobility, and thermodynamic stability) indicates that this missense variant is not expected to disrupt CREBBP protein function with a negative predictive value of 95%. In summary, the available evidence is currently insufficient to determine the role of this variant in disease. Therefore, it has been classified as a Variant of Uncertain Significance.